The following is an entry in ClinVar:

ClinVar aggregate classification (germline): Benign/Likely benign. Review status: criteria provided, multiple submitters, no conflicts (2 of 4 stars). 5 submissions from 5 submitters: Benign (1); Likely benign (3). 1 of the submissions does not count toward it. Last evaluated 2025-11-02.

Conditions:
VARS2-related disorder. Also called: VARS2-related disorders; VARS2-related condition.

Allele frequency attached by ClinVar (database versions not stated): gnomAD 0.00041; ExAC 0.00071; gnomAD exomes 0.00078; TOPMed 0.00078; 1000 Genomes Project 0.00359; 1000 Genomes Project 30x 0.00359.
gnomAD v4.1: 349 of 1,613,096 alleles (0.022%); highest among the groups gnomAD compares: East Asian, 0.53%; 3 homozygotes.

Submissions (5):

Labcorp Genetics (formerly Invitae), Labcorp
Classification: Benign. Last evaluated: 2025-11-02. Review status: criteria provided, single submitter. Criteria: Invitae Variant Classification Sherloc (09022015). Collection method: clinical testing. Allele origin: germline.

Blueprint Genetics
Classification: Likely benign. Last evaluated: 2024-10-23. Review status: criteria provided, single submitter. Criteria: ACMG Guidelines, 2015. Collection method: clinical testing. Allele origin: germline.

GeneDx
Classification: Likely benign. Last evaluated: 2017-08-23. Review status: criteria provided, single submitter. Criteria: GeneDx Variant Classification (06012015). Collection method: clinical testing. Allele origin: germline. Affected: yes.
Comment: This variant is considered likely benign or benign based on one or more of the following criteria: it is a conservative change, it occurs at a poorly conserved position in the protein, it is predicted to be benign by multiple in silico algorithms, and/or has population frequency not consistent with disease.

Breakthrough Genomics
Classification: Likely benign. Review status: criteria provided, single submitter. Criteria: ACMG Guidelines, 2015. Collection method: not provided. Allele origin: germline. Inheritance: Autosomal recessive inheritance. Affected: yes.

PreventionGenetics, part of Exact Sciences
Classification: Benign for VARS2-related condition. Last evaluated: 2020-04-20. Review status: no assertion criteria provided. Collection method: clinical testing. Allele origin: germline. Not counted in ClinVar's aggregate classification.
Comment: This variant is classified as benign based on ACMG/AMP sequence variant interpretation guidelines (Richards et al. 2015 PMID: 25741868, with internal and published modifications).

NM_020442.6(VARS2):c.3091-10C>T

Gene: VARS2 (valyl-tRNA synthetase 2, mitochondrial; plus strand). Cytogenetic location: 6p21.33.
Variant type: single nucleotide variant.
Coding change: c.3091-10C>T on transcript NM_020442.6 (MANE Select); 10 bases into the intron before coding-DNA position 3091, C replaced by T.
Molecular consequence: intron variant.
Genome position (GRCh38, 1-based): chr6:30,926,099, C>T. VCF-style: chr6-30926099-C-T. GRCh37 (hg19) VCF-style: chr6-30893876-C-T.
Other names: c.3181-10C>T (NM_001167734.2); c.2671-10C>T (NM_001167733.3).
Identifiers: ClinVar variation 387756 (VCV000387756.12), dbSNP rs141974166, ClinGen allele CA3706461.